The following is an entry in ClinVar:

NM_002519.3(NPAT):c.2258A>G (p.Asp753Gly)

Gene: NPAT (nuclear protein, coactivator of histone transcription; minus strand). Cytogenetic location: 11q22.3.
Variant type: single nucleotide variant.
Coding change: c.2258A>G on transcript NM_002519.3 (MANE Select); coding-DNA position 2258, A replaced by G.
Protein change: p.Asp753Gly; replaces aspartic acid 753 with glycine.
Molecular consequence: missense variant.
Genome position (GRCh38, 1-based): chr11:108,172,726, T>C on the plus strand (A>G on the coding strand, the complement: NPAT is on the minus strand). VCF-style: chr11-108172726-T-C. GRCh37 (hg19) VCF-style: chr11-108043453-T-C.
Other names: c.2258A>G, p.Asp753Gly (NM_001321307.1); short protein forms D753G.
Identifiers: ClinVar variation 1788544 (VCV001788544.2), dbSNP rs780496583, ClinGen allele CA6263847.

ClinVar aggregate classification (germline): Uncertain significance (1 of 4 stars; one submission).

Allele frequency attached by ClinVar (database versions not stated): gnomAD exomes below 0.00001; TOPMed below 0.00001; ExAC 0.00001; gnomAD 0.00001.
gnomAD v4.1: 4 of 1,613,472 alleles (0.00025%); highest among the groups gnomAD compares: Non-Finnish European, 0.00017%; no homozygotes.

Submission:

Ambry Genetics
Classification: Uncertain significance. Last evaluated: 2022-10-02. Review status: criteria provided, single submitter. Criteria: Ambry Variant Classification Scheme 2023. Collection method: clinical testing. Allele origin: germline.
Comment: The p.D753G variant (also known as c.2258A>G), located in coding exon 13 of the NPAT gene, results from an A to G substitution at nucleotide position 2258. The aspartic acid at codon 753 is replaced by glycine, an amino acid with similar properties. This amino acid position is conserved. In addition, this alteration is predicted to be tolerated by in silico analysis. Since supporting evidence is limited at this time, the clinical significance of this alteration remains unclear.